The following is an entry in ClinVar:

ClinVar aggregate classification (germline): Uncertain significance. Review status: criteria provided, multiple submitters, no conflicts (2 of 4 stars). 2 submissions from 2 submitters: Uncertain significance (2). Last evaluated 2023-08-14.

Conditions:
Greenberg dysplasia (GRBGD). Also called: CHONDRODYSTROPHY, HYDROPIC AND PRENATALLY LETHAL TYPE; HEM SKELETAL DYSPLASIA; MOTH-EATEN SKELETAL DYSPLASIA. Identifiers: Orphanet 1426, MedGen C2931048, MONDO:0008974, OMIM 215140.

Allele frequency attached by ClinVar (database versions not stated): ExAC 0.00003; TOPMed 0.00003.
gnomAD v4.1: 56 of 1,613,956 alleles (0.0035%); highest among the groups gnomAD compares: Middle Eastern, 0.017%; no homozygotes.

Submissions (2):

Labcorp Genetics (formerly Invitae), Labcorp
Classification: Uncertain significance. Last evaluated: 2023-08-14. Review status: criteria provided, single submitter. Criteria: Invitae Variant Classification Sherloc (09022015). Collection method: clinical testing. Allele origin: germline.
Comment: This sequence change replaces arginine, which is basic and polar, with glutamine, which is neutral and polar, at codon 96 of the LBR protein (p.Arg96Gln). This variant is present in population databases (rs769191817, gnomAD 0.02%). This variant has not been reported in the literature in individuals affected with LBR-related conditions. ClinVar contains an entry for this variant (Variation ID: 877058). An algorithm developed to predict the effect of missense changes on protein structure and function (PolyPhen-2) suggests that this variant is likely to be disruptive. In summary, the available evidence is currently insufficient to determine the role of this variant in disease. Therefore, it has been classified as a Variant of Uncertain Significance.

Illumina Laboratory Services, Illumina
Classification: Uncertain significance for Greenberg dysplasia. Last evaluated: 2017-04-27. Review status: criteria provided, single submitter. Criteria: ICSL Variant Classification Criteria 13 December 2019. Collection method: clinical testing. Allele origin: germline.

NM_002296.4(LBR):c.287G>A (p.Arg96Gln)

Gene: LBR (lamin B receptor; minus strand). Cytogenetic location: 1q42.12.
Variant type: single nucleotide variant.
Coding change: c.287G>A on transcript NM_002296.4 (MANE Select); coding-DNA position 287, G replaced by A.
Protein change: p.Arg96Gln; replaces arginine 96 with glutamine.
Molecular consequence: missense variant.
Genome position (GRCh38, 1-based): chr1:225,422,156, C>T on the plus strand (G>A on the coding strand, the complement: LBR is on the minus strand). VCF-style: chr1-225422156-C-T. GRCh37 (hg19) VCF-style: chr1-225609858-C-T.
Other names: c.287G>A, p.Arg96Gln (NM_194442.3); short protein forms R96Q.
Identifiers: ClinVar variation 877058 (VCV000877058.8), dbSNP rs769191817, ClinGen allele CA1417513.